The following is an entry in ClinVar:

ClinVar aggregate classification (germline): Conflicting classifications of pathogenicity. Review status: criteria provided, conflicting classifications (1 of 4 stars). 2 submissions from 2 submitters: Uncertain significance (1); Likely benign (1). Last evaluated 2025-10-30.

Conditions:
Hereditary cancer-predisposing syndrome. Also called: Hereditary neoplastic syndrome; Hereditary Cancer Syndrome; Neoplastic Syndromes, Hereditary; Tumor predisposition. Identifiers: Orphanet 140162, MedGen C0027672, MeSH D009386, MONDO:0015356.
Renal cell carcinoma. Identifiers: Orphanet 217071, MedGen C0007134, MeSH D002292, MONDO:0005086, HP:0005584.

Submissions (2):

Ambry Genetics
Classification: Likely benign for Hereditary cancer-predisposing syndrome. Last evaluated: 2025-10-30. Review status: criteria provided, single submitter. Criteria: Ambry Variant Classification Scheme 2023. Collection method: clinical testing. Allele origin: germline.

Labcorp Genetics (formerly Invitae), Labcorp
Classification: Uncertain significance for Renal cell carcinoma. Last evaluated: 2025-06-29. Review status: criteria provided, single submitter. Criteria: Invitae Variant Classification Sherloc (09022015). Collection method: clinical testing. Allele origin: germline.
Comment: This sequence change replaces tryptophan, which is neutral and slightly polar, with arginine, which is basic and polar, at codon 1405 of the MET protein (p.Trp1405Arg). This variant is not present in population databases (gnomAD no frequency). This variant has not been reported in the literature in individuals affected with MET-related conditions. ClinVar contains an entry for this variant (Variation ID: 2567697). An algorithm developed to predict the effect of missense changes on protein structure and function outputs the following: PolyPhen-2: "Not Available". The arginine amino acid residue is found in multiple mammalian species, which suggests that this missense change does not adversely affect protein function. In summary, the available evidence is currently insufficient to determine the role of this variant in disease. Therefore, it has been classified as a Variant of Uncertain Significance.

NM_000245.4(MET):c.4159T>C (p.Trp1387Arg)

Gene: MET (MET proto-oncogene, receptor tyrosine kinase; plus strand). Cytogenetic location: 7q31.2.
Variant type: single nucleotide variant.
Coding change: c.4159T>C on transcript NM_000245.4 (MANE Select); coding-DNA position 4159, T replaced by C.
Protein change: p.Trp1387Arg; replaces tryptophan 1387 with arginine.
Molecular consequence: missense variant.
Genome position (GRCh38, 1-based): chr7:116,796,110, T>C. VCF-style: chr7-116796110-T-C. GRCh37 (hg19) VCF-style: chr7-116436164-T-C.
Other names: c.4213T>C, p.Trp1405Arg (NM_001127500.3); c.2869T>C, p.Trp957Arg (NM_001324402.2); short protein forms W957R, W1387R, W1405R.
Identifiers: ClinVar variation 2567697 (VCV002567697.6), dbSNP rs2485876010, ClinGen allele CA369118512.